The following is an entry in ClinVar:

NM_001035.3(RYR2):c.4950G>A (p.Leu1650=)

Gene: RYR2 (ryanodine receptor 2; plus strand). Cytogenetic location: 1q43.
Variant type: single nucleotide variant.
Coding change: c.4950G>A on transcript NM_001035.3 (MANE Select); coding-DNA position 4950, G replaced by A.
Protein change: p.Leu1650=; no amino-acid change (leucine 1650 retained).
Molecular consequence: synonymous variant.
Genome position (GRCh38, 1-based): chr1:237,614,078, G>A. VCF-style: chr1-237614078-G-A. GRCh37 (hg19) VCF-style: chr1-237777378-G-A.
Identifiers: ClinVar variation 179956 (VCV000179956.5), dbSNP rs376251968, ClinGen allele CA009728.

ClinVar aggregate classification (germline): Likely benign (1 of 4 stars; one submission).

Submission:

Laboratory for Molecular Medicine, Mass General Brigham Personalized Medicine
Classification: Likely benign. Last evaluated: 2014-08-21. Review status: criteria provided, single submitter. Criteria: LMM Criteria. Collection method: clinical testing. Allele origin: germline. Observed: 1 variant allele.
Comment: Leu1650Leu in exon 37 of RYR2: This variant is not expected to have clinical sig nificance because it does not alter an amino acid residue and is not located wit hin the splice consensus sequence.